The following is an entry in ClinVar:

NM_001457.4(FLNB):c.7547C>T (p.Thr2516Ile)

Genes: FLNB-AS1 (FLNB antisense RNA 1; minus strand), FLNB (filamin B; plus strand). Cytogenetic location: 3p14.3.
Variant type: single nucleotide variant.
Coding change: c.7547C>T on transcript NM_001457.4 (MANE Select); coding-DNA position 7547, C replaced by T.
Protein change: p.Thr2516Ile; replaces threonine 2516 with isoleucine.
Molecular consequence: missense variant.
Genome position (GRCh38, 1-based): chr3:58,169,719, C>T. VCF-style: chr3-58169719-C-T. GRCh37 (hg19) VCF-style: chr3-58155446-C-T.
Other names: c.7640C>T, p.Thr2547Ile (NM_001164317.2); c.7514C>T, p.Thr2505Ile (NM_001164318.2); c.7475C>T, p.Thr2492Ile (NM_001164319.2); short protein forms T2547I, T2492I, T2505I, T2516I.
Identifiers: ClinVar variation 2876171 (VCV002876171.5), dbSNP rs1010302938, ClinGen allele CA75433639.

ClinVar aggregate classification (germline): Uncertain significance. Review status: criteria provided, multiple submitters, no conflicts (2 of 4 stars). 2 submissions from 2 submitters: Uncertain significance (2). Last evaluated 2024-12-10.

Allele frequency attached by ClinVar (database versions not stated): gnomAD exomes 0.00001; gnomAD 0.00001; TOPMed 0.00004.
gnomAD v4.1: 12 of 1,613,990 alleles (0.00074%); highest among the groups gnomAD compares: African/African-American, 0.0027%; no homozygotes.

Submissions (2):

Labcorp Genetics (formerly Invitae), Labcorp
Classification: Uncertain significance. Last evaluated: 2024-12-10. Review status: criteria provided, single submitter. Criteria: Invitae Variant Classification Sherloc (09022015). Collection method: clinical testing. Allele origin: germline.
Comment: This sequence change replaces threonine, which is neutral and polar, with isoleucine, which is neutral and non-polar, at codon 2516 of the FLNB protein (p.Thr2516Ile). This variant is not present in population databases (gnomAD no frequency). This variant has not been reported in the literature in individuals affected with FLNB-related conditions. ClinVar contains an entry for this variant (Variation ID: 2876171). Invitae Evidence Modeling of protein sequence and biophysical properties (such as structural, functional, and spatial information, amino acid conservation, physicochemical variation, residue mobility, and thermodynamic stability) indicates that this missense variant is not expected to disrupt FLNB protein function with a negative predictive value of 95%. In summary, the available evidence is currently insufficient to determine the role of this variant in disease. Therefore, it has been classified as a Variant of Uncertain Significance.

Dasa
Classification: Uncertain significance. Last evaluated: 2024-11-07. Review status: criteria provided, single submitter. Criteria: DASA Assertion Criteria. Collection method: clinical testing. Allele origin: germline.
Comment: NM_001457.4(FLNB):c.7547C>T (p.Thr2516Ile) is a missense variant that results in the substitution of threonine with isoleucine. This variant is rare in population databases. The currently available literature and clinical evidence are not sufficient to establish a definitive association between this variant and the reported condition. Therefore, this variant is classified as a variant of uncertain significance.